The following is an entry in ClinVar:

NM_001128148.3(TFRC):c.1468+39A>G

Gene: TFRC (transferrin receptor; minus strand). Cytogenetic location: 3q29.
Variant type: single nucleotide variant.
Coding change: c.1468+39A>G on transcript NM_001128148.3 (MANE Select); 39 bases into the intron after coding-DNA position 1468, A replaced by G.
Molecular consequence: intron variant.
Genome position (GRCh38, 1-based): chr3:196,062,543, T>C on the plus strand (A>G on the coding strand, the complement: TFRC is on the minus strand). VCF-style: chr3-196062543-T-C. GRCh37 (hg19) VCF-style: chr3-195789414-T-C.
Other names: c.622+39A>G (NM_001313966.2); c.1225+39A>G (NM_001313965.2); c.1468+39A>G (NM_003234.4).
Identifiers: ClinVar variation 1273355 (VCV001273355.7), dbSNP rs2239641, ClinGen allele CA2777908.

ClinVar aggregate classification (germline): Benign. Review status: criteria provided, multiple submitters, no conflicts (2 of 4 stars). 4 submissions from 4 submitters: Benign (4). Last evaluated 2023-11-12.

Conditions:
TFRC-related combined immunodeficiency. Also called: Immunodeficiency 46. Identifiers: Orphanet 476113, MedGen C5568133, MONDO:0014760, OMIM 616740.

Allele frequency attached by ClinVar (database versions not stated): 1000 Genomes Project 0.36202; 1000 Genomes Project 30x 0.36368; TOPMed 0.46035; gnomAD 0.48197 and 0.48268; ESP Exome Variant Server 0.49739; gnomAD exomes 0.50326 and 0.57911; ExAC 0.50365.
gnomAD v4.1: 895,870 of 1,574,680 alleles (57%); highest among the groups gnomAD compares: Middle Eastern, 66%; 264,268 homozygotes.

Submissions (4):

Unidad de Genómica Garrahan, Hospital de Pediatría Garrahan
Classification: Benign. Last evaluated: 2023-11-12. Review status: criteria provided, single submitter. Criteria: ACMG Guidelines, 2015. Collection method: clinical testing. Allele origin: germline. Affected: no. Observed: 62 variant alleles.
Comment: This variant is classified as Benign based on local population frequency. This variant was detected in 65% of patients studied by a panel of primary immunodeficiencies. Number of patients: 62. Only high quality variants are reported.

Genome-Nilou Lab
Classification: Benign for TFRC-related combined immunodeficiency. Last evaluated: 2021-09-10. Review status: criteria provided, single submitter. Criteria: ACMG Guidelines, 2015. Collection method: clinical testing. Allele origin: germline. Affected: no.

GeneDx
Classification: Benign. Last evaluated: 2021-06-19. Review status: criteria provided, single submitter. Criteria: GeneDx Variant Classification Process June 2021. Collection method: clinical testing. Allele origin: germline. Affected: yes.

Breakthrough Genomics
Classification: Benign. Review status: criteria provided, single submitter. Criteria: ACMG Guidelines, 2015. Collection method: not provided. Allele origin: germline. Inheritance: Autosomal recessive inheritance. Affected: yes.